The following is an entry in ClinVar:

ClinVar aggregate classification (germline): Conflicting classifications of pathogenicity. Review status: criteria provided, conflicting classifications (1 of 4 stars). 3 submissions from 3 submitters: Uncertain significance (2); Likely benign (1). Last evaluated 2024-10-15.

Conditions:
Inborn genetic diseases. Identifiers: MedGen C0950123, MeSH D030342.
Hereditary sensory neuropathy-deafness-dementia syndrome. Also called: HSN IE; Hereditary sensory neuropathy type IE; NEUROPATHY, HEREDITARY SENSORY, WITH HEARING LOSS AND DEMENTIA; Hereditary Sensory and Autonomic Neuropathy Type 1E (HSAN1E). Identifiers: Orphanet 456318, MedGen C3279885, MONDO:0013584, OMIM 614116.

Allele frequency attached by ClinVar (database versions not stated): gnomAD 0.00002; TOPMed 0.00003.
gnomAD v4.1: 30 of 1,613,544 alleles (0.0019%); highest among the groups gnomAD compares: East Asian, 0.0067%; no homozygotes.

Submissions (3):

Labcorp Genetics (formerly Invitae), Labcorp
Classification: Uncertain significance for Hereditary sensory neuropathy-deafness-dementia syndrome. Last evaluated: 2024-10-15. Review status: criteria provided, single submitter. Criteria: Invitae Variant Classification Sherloc (09022015). Collection method: clinical testing. Allele origin: germline.
Comment: This sequence change replaces arginine, which is basic and polar, with histidine, which is basic and polar, at codon 136 of the DNMT1 protein (p.Arg136His). This variant is present in population databases (rs775139340, gnomAD 0.04%). This variant has not been reported in the literature in individuals affected with DNMT1-related conditions. ClinVar contains an entry for this variant (Variation ID: 472274). An algorithm developed to predict the effect of missense changes on protein structure and function (PolyPhen-2) suggests that this variant is likely to be tolerated. In summary, the available evidence is currently insufficient to determine the role of this variant in disease. Therefore, it has been classified as a Variant of Uncertain Significance.

Ambry Genetics
Classification: Likely benign for Inborn genetic diseases. Last evaluated: 2020-02-20. Review status: criteria provided, single submitter. Criteria: Ambry Variant Classification Scheme 2023. Collection method: clinical testing. Allele origin: germline.

Institute of Human Genetics, University Hospital of Duesseldorf
Classification: Uncertain significance for Hereditary sensory neuropathy-deafness-dementia syndrome. Review status: criteria provided, single submitter. Criteria: ACMG Guidelines, 2015. Collection method: not provided. Allele origin: germline. Inheritance: Autosomal dominant inheritance. Affected: yes.

NM_001130823.3(DNMT1):c.407G>A (p.Arg136His)

Gene: DNMT1 (DNA methyltransferase 1; minus strand). Cytogenetic location: 19p13.2.
Variant type: single nucleotide variant.
Coding change: c.407G>A on transcript NM_001130823.3 (MANE Select); coding-DNA position 407, G replaced by A.
Protein change: p.Arg136His; replaces arginine 136 with histidine.
Molecular consequence: missense variant.
Genome position (GRCh38, 1-based): chr19:10,180,388, C>T on the plus strand (G>A on the coding strand, the complement: DNMT1 is on the minus strand). VCF-style: chr19-10180388-C-T. GRCh37 (hg19) VCF-style: chr19-10291064-C-T.
Other names: c.407G>A (LRG_362t1); c.407G>A, p.Arg136His (NM_001318730.2, NM_001379.4); c.44G>A, p.Arg15His (NM_001318731.2); short protein forms R136H, R15H.
Identifiers: ClinVar variation 472274 (VCV000472274.10), dbSNP rs775139340, ClinGen allele CA9188762.